The following is an entry in ClinVar:

ClinVar aggregate classification (germline): Uncertain significance (1 of 4 stars; one submission).

Allele frequency attached by ClinVar (database versions not stated): TOPMed below 0.00001.
gnomAD v4.1: 1 of 1,551,558 alleles (0.000064%); highest among the groups gnomAD compares: Non-Finnish European, 0.000087%; no homozygotes.

Submission:

Labcorp Genetics (formerly Invitae), Labcorp
Classification: Uncertain significance. Last evaluated: 2024-10-15. Review status: criteria provided, single submitter. Criteria: Invitae Variant Classification Sherloc (09022015). Collection method: clinical testing. Allele origin: germline.
Comment: This sequence change replaces cysteine, which is neutral and slightly polar, with glycine, which is neutral and non-polar, at codon 406 of the UNC80 protein (p.Cys406Gly). This variant is not present in population databases (gnomAD no frequency). This variant has not been reported in the literature in individuals affected with UNC80-related conditions. ClinVar contains an entry for this variant (Variation ID: 1469384). An algorithm developed to predict the effect of missense changes on protein structure and function outputs the following: PolyPhen-2: "Possibly Damaging". The glycine amino acid residue is found in multiple mammalian species, which suggests that this missense change does not adversely affect protein function. In summary, the available evidence is currently insufficient to determine the role of this variant in disease. Therefore, it has been classified as a Variant of Uncertain Significance.

NM_001371986.1(UNC80):c.1216T>G (p.Cys406Gly)

Gene: UNC80 (unc-80 homolog, NALCN channel complex subunit; plus strand). Cytogenetic location: 2q34.
Variant type: single nucleotide variant.
Coding change: c.1216T>G on transcript NM_001371986.1 (MANE Select); coding-DNA position 1216, T replaced by G.
Protein change: p.Cys406Gly; replaces cysteine 406 with glycine.
Molecular consequence: missense variant.
Genome position (GRCh38, 1-based): chr2:209,815,272, T>G. VCF-style: chr2-209815272-T-G. GRCh37 (hg19) VCF-style: chr2-210679996-T-G.
Other names: c.1216T>G, p.Cys406Gly (NM_032504.2, NM_182587.4); short protein forms C406G.
Identifiers: ClinVar variation 1469384 (VCV001469384.7), dbSNP rs2079649719, ClinGen allele CA350134103.
Genomic context (GRCh38, chr2:209,815,272, plus strand): 5'-GGATGTAAAGTCCTAAGTCCTTGATCACTGTCTACCTTTATTAAGGATCTCACCATGAAG[T>G]GTAACGAGGAGGAAAAATCTCTTAGCTCTGAGGCCTTTTCCAAGGTTTCACTGACCAATC-3'
Protein context (NP_001358915.1, residues 396-416): THKTQDLTMK[Cys406Gly]NEEEKSLSSE